The following is an entry in ClinVar:

ClinVar aggregate classification (germline): Uncertain significance (1 of 4 stars; one submission).

Conditions:
Early-infantile DEE. Also called: Ohtahara syndrome; Early infantile epileptic encephalopathy with suppression bursts; Early infantile epileptic encephalopathy. Identifiers: Orphanet 1934, MedGen C0393706, MONDO:0800491.

Submission:

Labcorp Genetics (formerly Invitae), Labcorp
Classification: Uncertain significance for Early-infantile DEE. Last evaluated: 2023-12-01. Review status: criteria provided, single submitter. Criteria: Invitae Variant Classification Sherloc (09022015). Collection method: clinical testing. Allele origin: germline.
Comment: This sequence change replaces glutamic acid, which is acidic and polar, with glutamine, which is neutral and polar, at codon 208 of the GNAO1 protein (p.Glu208Gln). This variant is not present in population databases (gnomAD no frequency). This missense change has been observed in individual(s) with a neurodevelopmental disorder with involuntary movements (PMID: 35722775). Advanced modeling of protein sequence and biophysical properties (such as structural, functional, and spatial information, amino acid conservation, physicochemical variation, residue mobility, and thermodynamic stability) has been performed at Invitae for this missense variant, however the output from this modeling did not meet the statistical confidence thresholds required to predict the impact of this variant on GNAO1 protein function. In summary, the available evidence is currently insufficient to determine the role of this variant in disease. Therefore, it has been classified as a Variant of Uncertain Significance.

Literature cited by the submitters: PubMed 35722775.

NM_020988.3(GNAO1):c.622G>C (p.Glu208Gln)

Gene: GNAO1 (G protein subunit alpha o1; plus strand). Cytogenetic location: 16q13.
Variant type: single nucleotide variant.
Coding change: c.622G>C on transcript NM_020988.3 (MANE Select); coding-DNA position 622, G replaced by C.
Protein change: p.Glu208Gln; replaces glutamic acid 208 with glutamine.
Molecular consequence: missense variant.
Genome position (GRCh38, 1-based): chr16:56,336,759, G>C. VCF-style: chr16-56336759-G-C. GRCh37 (hg19) VCF-style: chr16-56370671-G-C.
Other names: c.622G>C, p.Glu208Gln (NM_138736.3); short protein forms E208Q.
Identifiers: ClinVar variation 2698912 (VCV002698912.3), dbSNP rs2506876754, ClinGen allele CA395952191.